The following is an entry in ClinVar:

ClinVar aggregate classification (germline): Uncertain significance (1 of 4 stars; one submission).

Submission:

Labcorp Genetics (formerly Invitae), Labcorp
Classification: Uncertain significance. Last evaluated: 2021-12-15. Review status: criteria provided, single submitter. Criteria: Invitae Variant Classification Sherloc (09022015). Collection method: clinical testing. Allele origin: germline.
Comment: In summary, the available evidence is currently insufficient to determine the role of this variant in disease. Therefore, it has been classified as a Variant of Uncertain Significance. Algorithms developed to predict the effect of missense changes on protein structure and function (SIFT, PolyPhen-2, Align-GVGD) all suggest that this variant is likely to be tolerated. This variant has not been reported in the literature in individuals affected with ASRGL1-related conditions. This variant is not present in population databases (gnomAD no frequency). This sequence change replaces glycine, which is neutral and non-polar, with glutamic acid, which is acidic and polar, at codon 167 of the ASRGL1 protein (p.Gly167Glu).

NM_001083926.2(ASRGL1):c.500G>A (p.Gly167Glu)

Gene: ASRGL1 (asparaginase and isoaspartyl peptidase 1; plus strand). Cytogenetic location: 11q12.3.
Variant type: single nucleotide variant.
Coding change: c.500G>A on transcript NM_001083926.2 (MANE Select); coding-DNA position 500, G replaced by A.
Protein change: p.Gly167Glu; replaces glycine 167 with glutamic acid.
Molecular consequence: missense variant.
Genome position (GRCh38, 1-based): chr11:62,389,141, G>A. VCF-style: chr11-62389141-G-A. GRCh37 (hg19) VCF-style: chr11-62156613-G-A.
Other names: c.500G>A, p.Gly167Glu (NM_025080.4); short protein forms G167E.
Identifiers: ClinVar variation 1397101 (VCV001397101.6), dbSNP rs2134700914, ClinGen allele CA380870147.